The following is an entry in ClinVar:

NM_000083.3(CLCN1):c.1286A>G (p.Asp429Gly)

Gene: CLCN1 (chloride voltage-gated channel 1; plus strand). Cytogenetic location: 7q34.
Variant type: single nucleotide variant.
Coding change: c.1286A>G on transcript NM_000083.3 (MANE Select); coding-DNA position 1286, A replaced by G.
Protein change: p.Asp429Gly; replaces aspartic acid 429 with glycine.
Molecular consequence: missense variant.
Genome position (GRCh38, 1-based): chr7:143,332,758, A>G. VCF-style: chr7-143332758-A-G. GRCh37 (hg19) VCF-style: chr7-143029851-A-G.
Other names: short protein forms D429G.
Identifiers: ClinVar variation 1410177 (VCV001410177.8), dbSNP rs1001314584, ClinGen allele CA168214372.

ClinVar aggregate classification (germline): Uncertain significance (1 of 4 stars; one submission).

Conditions:
Congenital myotonia, autosomal recessive form. Also called: BECKER DISEASE; Becker Generalized Myotonia; myotonia congenita, autosomal recessive. Identifiers: Orphanet 614, MedGen C0751360, MONDO:0009715, OMIM 255700.
Congenital myotonia, autosomal dominant form (THD). Also called: THOMSEN DISEASE; Myotonia congenita autosomal dominant. Identifiers: Orphanet 614, MedGen C2936781, MONDO:0008055, OMIM 160800.

Allele frequency attached by ClinVar (database versions not stated): TOPMed below 0.00001.

Submission:

Labcorp Genetics (formerly Invitae), Labcorp
Classification: Uncertain significance for Congenital myotonia, autosomal recessive form; Congenital myotonia, autosomal dominant form. Last evaluated: 2021-05-05. Review status: criteria provided, single submitter. Criteria: Invitae Variant Classification Sherloc (09022015). Collection method: clinical testing. Allele origin: germline.
Comment: This variant has not been reported in the literature in individuals with CLCN1-related conditions. This sequence change replaces aspartic acid with glycine at codon 429 of the CLCN1 protein (p.Asp429Gly). The aspartic acid residue is highly conserved and there is a moderate physicochemical difference between aspartic acid and glycine. This variant is not present in population databases (ExAC no frequency). Advanced modeling of protein sequence and biophysical properties (such as structural, functional, and spatial information, amino acid conservation, physicochemical variation, residue mobility, and thermodynamic stability) performed at Invitae indicates that this missense variant is expected to disrupt CLCN1 protein function. In summary, the available evidence is currently insufficient to determine the role of this variant in disease. Therefore, it has been classified as a Variant of Uncertain Significance.